The following is an entry in ClinVar:

ClinVar aggregate classification (germline): Likely benign (1 of 4 stars; one submission).

Submission:

GeneDx
Classification: Likely benign. Last evaluated: 2018-02-23. Review status: criteria provided, single submitter. Criteria: GeneDx Variant Classification (06012015). Collection method: clinical testing. Allele origin: germline. Affected: yes.
Comment: This variant is considered likely benign or benign based on one or more of the following criteria: it is a conservative change, it occurs at a poorly conserved position in the protein, it is predicted to be benign by multiple in silico algorithms, and/or has population frequency not consistent with disease.

NM_000384.3(APOB):c.13368C>A (p.Thr4456=)

Gene: APOB (apolipoprotein B; minus strand). Cytogenetic location: 2p24.1.
Variant type: single nucleotide variant.
Coding change: c.13368C>A on transcript NM_000384.3 (MANE Select); coding-DNA position 13368, C replaced by A.
Protein change: p.Thr4456=; no amino-acid change (threonine 4456 retained).
Molecular consequence: synonymous variant.
Genome position (GRCh38, 1-based): chr2:21,002,054, G>T on the plus strand (C>A on the coding strand, the complement: APOB is on the minus strand). VCF-style: chr2-21002054-G-T. GRCh37 (hg19) VCF-style: chr2-21224926-G-T.
Identifiers: ClinVar variation 515632 (VCV000515632.1), dbSNP rs1553382258, ClinGen allele CA425342007.